The following is an entry in ClinVar:

ClinVar aggregate classification (germline): Uncertain significance (1 of 4 stars; one submission).

Conditions:
Ullrich congenital muscular dystrophy 2 (UCMD2). Identifiers: Orphanet 75840, MedGen C4225314, MONDO:0014654, OMIM 616470.
Bethlem myopathy 2 (BTHLM2). Identifiers: Orphanet 536516, Orphanet 610, MedGen C4225313, MONDO:0034022, OMIM 616471.

gnomAD v4.1: 9 of 1,613,938 alleles (0.00056%); highest among the groups gnomAD compares: South Asian, 0.0011%; no homozygotes.

Submissions (2):

Labcorp Genetics (formerly Invitae), Labcorp
Classification: Uncertain significance for Bethlem myopathy 2; Ullrich congenital muscular dystrophy 2. Last evaluated: 2020-12-25. Review status: criteria provided, single submitter. Criteria: Invitae Variant Classification Sherloc (09022015). Collection method: clinical testing. Allele origin: germline.
Comment: This variant is not present in population databases (ExAC no frequency). This variant has not been reported in the literature in individuals with COL12A1-related conditions. Algorithms developed to predict the effect of missense changes on protein structure and function are either unavailable or do not agree on the potential impact of this missense change (SIFT: "Deleterious"; PolyPhen-2: "Probably Damaging"; Align-GVGD: "Class C0"). In summary, the available evidence is currently insufficient to determine the role of this variant in disease. Therefore, it has been classified as a Variant of Uncertain Significance. This sequence change replaces threonine with methionine at codon 2022 of the COL12A1 protein (p.Thr2022Met). The threonine residue is highly conserved and there is a moderate physicochemical difference between threonine and methionine.

Dr. Peter K. Rogan Lab, Western University
No classification provided (evidence only). Condition: Gastric cancer. Review status: no classification provided. Collection method: in vitro. Allele origin: not applicable. Functional consequence: retained intron. Not counted in ClinVar's aggregate classification.

NM_004370.6(COL12A1):c.6065C>T (p.Thr2022Met)

Gene: COL12A1 (collagen type XII alpha 1 chain; minus strand). Cytogenetic location: 6q13.
Variant type: single nucleotide variant.
Coding change: c.6065C>T on transcript NM_004370.6 (MANE Select); coding-DNA position 6065, C replaced by T.
Protein change: p.Thr2022Met; replaces threonine 2022 with methionine.
Molecular consequence: missense variant.
Genome position (GRCh38, 1-based): chr6:75,130,854, G>A on the plus strand (C>T on the coding strand, the complement: COL12A1 is on the minus strand). VCF-style: chr6-75130854-G-A. GRCh37 (hg19) VCF-style: chr6-75840570-G-A.
Other names: c.2573C>T, p.Thr858Met (NM_080645.3); short protein forms T2022M, T858M.
Identifiers: ClinVar variation 1518608 (VCV001518608.9), dbSNP rs1766265495, ClinGen allele CA364732277.